The following is an entry in ClinVar:

ClinVar aggregate classification (germline): Uncertain significance (1 of 4 stars; one submission).

Conditions:
Hyperphosphatasia with impaired intellectual development syndrome 2. Also called: Hyperphosphatasia with intellectual disability syndrome 2; GLYCOSYLPHOSPHATIDYLINOSITOL BIOSYNTHESIS DEFECT 6. Identifiers: Orphanet 247262, MedGen C3553637, MONDO:0013882, OMIM 614749.

Submission:

Labcorp Genetics (formerly Invitae), Labcorp
Classification: Uncertain significance for Hyperphosphatasia with impaired intellectual development syndrome 2. Last evaluated: 2020-01-27. Review status: criteria provided, single submitter. Criteria: Invitae Variant Classification Sherloc (09022015). Collection method: clinical testing. Allele origin: germline.
Comment: In summary, the available evidence is currently insufficient to determine the role of this variant in disease. Therefore, it has been classified as a Variant of Uncertain Significance. Algorithms developed to predict the effect of missense changes on protein structure and function (SIFT, PolyPhen-2, Align-GVGD) all suggest that this variant is likely to be tolerated, but these predictions have not been confirmed by published functional studies and their clinical significance is uncertain. This variant has not been reported in the literature in individuals with PIGO-related disease. This variant is not present in population databases (ExAC no frequency). This sequence change replaces alanine with valine at codon 19 of the PIGO protein (p.Ala19Val). The alanine residue is moderately conserved and there is a small physicochemical difference between alanine and valine.

NM_032634.4(PIGO):c.56C>T (p.Ala19Val)

Gene: PIGO (phosphatidylinositol glycan anchor biosynthesis class O; minus strand). Cytogenetic location: 9p13.3.
Variant type: single nucleotide variant.
Coding change: c.56C>T on transcript NM_032634.4 (MANE Select); coding-DNA position 56, C replaced by T.
Protein change: p.Ala19Val; replaces alanine 19 with valine.
Molecular consequence: missense variant.
Genome position (GRCh38, 1-based): chr9:35,095,510, G>A on the plus strand (C>T on the coding strand, the complement: PIGO is on the minus strand). VCF-style: chr9-35095510-G-A. GRCh37 (hg19) VCF-style: chr9-35095507-G-A.
Other names: c.56C>T, p.Ala19Val (NM_001201484.2, NM_152850.4); short protein forms A19V.
Identifiers: ClinVar variation 540454 (VCV000540454.8), dbSNP rs1554673856, ClinGen allele CA373325333.